The following is an entry in ClinVar:

NM_013450.4(BAZ2B):c.4775C>G (p.Ser1592Cys)

Genes: BAZ2B (bromodomain adjacent to zinc finger domain 2B; minus strand), LOC126806390 (CDK7 strongly-dependent group 2 enhancer GRCh37_chr2:160205700-160206899; plus strand). Cytogenetic location: 2q24.2.
Variant type: single nucleotide variant.
Coding change: c.4775C>G on transcript NM_013450.4 (MANE Select); coding-DNA position 4775, C replaced by G.
Protein change: p.Ser1592Cys; replaces serine 1592 with cysteine.
Molecular consequence: missense variant.
Genome position (GRCh38, 1-based): chr2:159,349,796, G>C on the plus strand (C>G on the coding strand, the complement: BAZ2B is on the minus strand). VCF-style: chr2-159349796-G-C. GRCh37 (hg19) VCF-style: chr2-160206307-G-C.
Other names: c.4667C>G, p.Ser1556Cys (NM_001289975.1); c.4613C>G, p.Ser1538Cys (NM_001329857.2); c.4700C>G, p.Ser1567Cys (NM_001329858.2); short protein forms S1556C, S1538C, S1567C, S1592C.
Identifiers: ClinVar variation 4197968 (VCV004197968.2).
Genomic context (GRCh38, chr2:159,349,796, plus strand): 5'-AAGCCAACAGGATTCTGAGCAGAAGATCCAAGAGGAGCTGGGGTAGGTGAAGGTGACTTA[G>C]ATGGTGGCTGAGACTGAGGAGTCACCAAAGAAGCAGTTGACATATCGGCATGAGTAAGTG-3'
Protein context (NP_038478.2, residues 1582-1602): SLVTPQSQPP[Ser1592Cys]KSPSPTPAPL

ClinVar aggregate classification (germline): Uncertain significance. Review status: criteria provided, multiple submitters, no conflicts (2 of 4 stars). 2 submissions from 2 submitters: Uncertain significance (2). Last evaluated 2025-08-02.

Conditions:
Inborn genetic diseases. Identifiers: MedGen C0950123, MeSH D030342.

gnomAD v4.1: 5 of 1,614,172 alleles (0.00031%); highest among the groups gnomAD compares: Admixed American, 0.0067%; no homozygotes.

Submissions (2):

Labcorp Genetics (formerly Invitae), Labcorp
Classification: Uncertain significance. Last evaluated: 2025-08-02. Review status: criteria provided, single submitter. Criteria: Invitae Variant Classification Sherloc (09022015). Collection method: clinical testing. Allele origin: germline.
Comment: This sequence change replaces serine, which is neutral and polar, with cysteine, which is neutral and slightly polar, at codon 1556 of the BAZ2B protein (p.Ser1556Cys). This variant is not present in population databases (gnomAD no frequency). This variant has not been reported in the literature in individuals affected with BAZ2B-related conditions. An algorithm developed to predict the effect of missense changes on protein structure and function (PolyPhen-2) suggests that this variant is likely to be disruptive. Algorithms developed to predict the effect of sequence changes on RNA splicing suggest that this variant may create or strengthen a splice site. In summary, the available evidence is currently insufficient to determine the role of this variant in disease. Therefore, it has been classified as a Variant of Uncertain Significance.

Ambry Genetics
Classification: Uncertain significance for Inborn genetic diseases. Last evaluated: 2025-06-23. Review status: criteria provided, single submitter. Criteria: Ambry Variant Classification Scheme 2023. Collection method: clinical testing. Allele origin: germline.